The following is an entry in ClinVar:

ClinVar aggregate classification (germline): Uncertain significance (1 of 4 stars; one submission).

Conditions:
Hypertrophic cardiomyopathy 19. Also called: Familial hypertrophic cardiomyopathy 19. Identifiers: MedGen CN077603, MONDO:0013476.

Submission:

Labcorp Genetics (formerly Invitae), Labcorp
Classification: Uncertain significance for Hypertrophic cardiomyopathy 19. Last evaluated: 2024-05-06. Review status: criteria provided, single submitter. Criteria: Invitae Variant Classification Sherloc (09022015). Collection method: clinical testing. Allele origin: germline.
Comment: This sequence change falls in intron 2 of the CALR3 gene. It does not directly change the encoded amino acid sequence of the CALR3 protein. It affects a nucleotide within the consensus splice site. This variant is not present in population databases (gnomAD no frequency). This variant has not been reported in the literature in individuals affected with CALR3-related conditions. Variants that disrupt the consensus splice site are a relatively common cause of aberrant splicing (PMID: 17576681, 9536098). Algorithms developed to predict the effect of sequence changes on RNA splicing suggest that this variant may disrupt the consensus splice site. In summary, the available evidence is currently insufficient to determine the role of this variant in disease. Therefore, it has been classified as a Variant of Uncertain Significance.

Literature cited by the submitters: PubMed 17576681; PubMed 9536098.

NM_145046.5(CALR3):c.193+6T>C

Gene: CALR3 (calreticulin 3; minus strand). Cytogenetic location: 19p13.11.
Variant type: single nucleotide variant.
Coding change: c.193+6T>C on transcript NM_145046.5 (MANE Select); 6 bases into the intron after coding-DNA position 193, T replaced by C.
Molecular consequence: intron variant.
Genome position (GRCh38, 1-based): chr19:16,495,745, A>G on the plus strand (T>C on the coding strand, the complement: CALR3 is on the minus strand). VCF-style: chr19-16495745-A-G. GRCh37 (hg19) VCF-style: chr19-16606556-A-G.
Identifiers: ClinVar variation 3691108 (VCV003691108.2).